The following is an entry in ClinVar:

NM_007294.4(BRCA1):c.4987-3C>A

Gene: BRCA1 (BRCA1 DNA repair associated; minus strand). Cytogenetic location: 17q21.31.
Variant type: single nucleotide variant.
Coding change: c.4987-3C>A on transcript NM_007294.4 (MANE Select); 3 bases into the intron before coding-DNA position 4987, C replaced by A.
Molecular consequence: intron variant.
Genome position (GRCh38, 1-based): chr17:43,067,698, G>T on the plus strand (C>A on the coding strand, the complement: BRCA1 is on the minus strand). VCF-style: chr17-43067698-G-T. GRCh37 (hg19) VCF-style: chr17-41219715-G-T.
Other names: c.1537-3C>A (NM_001408453.1, NM_001408455.1, NM_001408452.1 and 3 more transcripts); c.4843-3C>A (NM_001407737.1, NM_001407746.1, NM_001407738.1 and 21 more transcripts); c.4846-3C>A (NM_001407728.1, NM_007297.4, NM_001407731.1 and 13 more transcripts); c.1534-3C>A (NM_001408461.1, NM_001408464.1, NM_001408467.1 and 7 more transcripts); c.4777-3C>A (NM_001407886.1, NM_001407881.1, NM_001407887.1 and 5 more transcripts); c.4858-3C>A (NM_001407686.1, NM_001407685.1, NM_001407688.1 and 6 more transcripts); c.1672-3C>A (NM_001408397.1, NM_001408401.1, NM_001408396.1 and 8 more transcripts); c.4981-3C>A (NM_001407632.1, NM_001407627.1, NM_001407861.1 and 14 more transcripts); and 71 more.
Identifiers: ClinVar variation 868898 (VCV000868898.6), dbSNP rs397509213, ClinGen allele CA916080165.

ClinVar aggregate classification (germline): Conflicting classifications of pathogenicity. Review status: criteria provided, conflicting classifications (1 of 4 stars). 2 submissions from 2 submitters: Likely pathogenic (1); Uncertain significance (1). Last evaluated 2022-11-29.

Conditions:
Hereditary cancer-predisposing syndrome. Also called: Neoplastic Syndromes, Hereditary; Tumor predisposition; Hereditary Cancer Syndrome; Hereditary neoplastic syndrome. Identifiers: Orphanet 140162, MedGen C0027672, MeSH D009386, MONDO:0015356.

Submissions (3):

Quest Diagnostics Nichols Institute San Juan Capistrano
Classification: Uncertain significance. Last evaluated: 2022-11-29. Review status: criteria provided, single submitter. Criteria: Quest Diagnostics criteria. Collection method: clinical testing. Allele origin: unknown.
Comment: It has not been reported in large, multi-ethnic general populations. In the published literature, the variant was reported to affect proper BRCA1 gene function based on a saturation genome editing (SGE) assay (PMID: 30209399 (2018)). Additional functional studies are needed to accurately conclude the impact of this variant on the BRCA1 gene. Analysis of this variant using software algorithms for the prediction of the effect of nucleotide changes on splicing yielded predictions that this variant may affect proper BRCA1 mRNA splicing . Based on the available information, we are unable to determine the clinical significance of this variant.

Ambry Genetics
Classification: Likely pathogenic for Hereditary cancer-predisposing syndrome. Last evaluated: 2021-01-08. Review status: criteria provided, single submitter. Criteria: Ambry Variant Classification Scheme 2023. Collection method: clinical testing. Allele origin: germline.
Comment: The c.4987-3C>A intronic variant results from a C to A substitution 3 nucleotides upstream from coding exon 15 in the BRCA1 gene. One functional study found that this nucleotide substitution is non-functional in a high throughput genome editing haploid cell survival assay (Findlay GM et al. Nature 2018 10;562(7726):217-222). This variant is considered to be rare based on population cohorts in the Genome Aggregation Database (gnomAD). This nucleotide position is highly conserved in available vertebrate species. In silico splice site analysis predicts that this alteration will weaken the native splice acceptor site. Based on the majority of available evidence to date, this variant is likely to be pathogenic.

Brotman Baty Institute, University of Washington
No classification provided (evidence only). Condition: Breast-ovarian cancer, familial 1. Review status: no classification provided. Collection method: in vitro. Allele origin: not applicable. Functional consequence: functionally_abnormal. Not counted in ClinVar's aggregate classification.
ClinVar note: "not provided" was previously submitted as the classification for the variant. However, the classification appeared to be based only on an observation of functional data so it was converted to no classification on 2025-07-30.

Literature cited by the submitters: PubMed 30209399 (cited by Quest Diagnostics Nichols Institute San Juan Capistrano).